The following is an entry in ClinVar:

ClinVar aggregate classification (germline): Conflicting classifications of pathogenicity. Review status: criteria provided, conflicting classifications (1 of 4 stars). 15 submissions from 15 submitters: Uncertain significance (2); Likely benign (10). 3 of the submissions do not count toward it. Last evaluated 2026-09-01.

Conditions:
Bardet-Biedl syndrome (BBS). Identifiers: Orphanet 110, MedGen C0752166, MONDO:0015229.
Sarcotubular myopathy (LGMDR8). Also called: Hutterite type of muscular dystrophy; Limb-girdle muscular dystrophy, type 2H; Autosomal recessive limb-girdle muscular dystrophy type 2H; MUSCULAR DYSTROPHY, LIMB-GIRDLE, AUTOSOMAL RECESSIVE 8. Identifiers: Orphanet 1878, MedGen C0270968, MONDO:0009683, OMIM 254110.
Bardet-Biedl syndrome 11 (BBS11). Identifiers: Orphanet 110, MedGen C1859569, MONDO:0014439, OMIM 615988.

Allele frequency attached by ClinVar (database versions not stated): 1000 Genomes Project 0.00080; 1000 Genomes Project 30x 0.00109; gnomAD 0.00113 and 0.00114; TOPMed 0.00135; ExAC 0.00143; ESP Exome Variant Server 0.00146; gnomAD exomes 0.00149 and 0.00172.
gnomAD v4.1: 2,680 of 1,614,140 alleles (0.17%); highest among the groups gnomAD compares: Non-Finnish European, 0.19%; 3 homozygotes.

Submissions (15):

CeGaT Center for Human Genetics Tuebingen
Classification: Likely benign. Last evaluated: 2026-09-01. Review status: criteria provided, single submitter. Criteria: CeGaT Center For Human Genetics Tuebingen Variant Classification Criteria Version 2. Collection method: clinical testing. Allele origin: germline. Affected: yes. Observed: 6 variant alleles.
Comment: TRIM32: PP3, BS2

Labcorp Genetics (formerly Invitae), Labcorp
Classification: Likely benign for Bardet-Biedl syndrome. Last evaluated: 2026-01-26. Review status: criteria provided, single submitter. Criteria: Invitae Variant Classification Sherloc (09022015). Collection method: clinical testing. Allele origin: germline.

Mayo Clinic Laboratories, Mayo Clinic
Classification: Likely benign. Last evaluated: 2025-10-09. Review status: criteria provided, single submitter. Criteria: ACMG Guidelines, 2015. Collection method: clinical testing. Allele origin: germline. Observed: 2 variant alleles.
Comment: BS1, BS2

Women's Health and Genetics/Laboratory Corporation of America, LabCorp
Classification: Likely benign. Last evaluated: 2025-01-28. Review status: criteria provided, single submitter. Criteria: LabCorp Variant Classification Summary - May 2015. Collection method: clinical testing. Allele origin: germline.
Comment: Variant summary: TRIM32 c.1222C>T (p.Arg408Cys) results in a non-conservative amino acid change in the encoded protein sequence. Five of five in-silico tools predict a damaging effect of the variant on protein function. The variant allele was found at a frequency of 0.0015 in 250724 control chromosomes in the gnomAD database, including 1 homozygotes. The observed variant frequency is approximately 1.19 fold of the estimated maximal expected allele frequency for a pathogenic variant in TRIM32 causing Limb-Girdle Muscular Dystrophy, Autosomal Recessive phenotype (0.0013). The variant, c.1222C>T, has been reported in the literature in individuals affected with various phenotypes, however without strong evidence for causality (e.g. Song_2011, Johnson_2019, Watkins_2019). These reports do not provide unequivocal conclusions about association of the variant with Limb-Girdle Muscular Dystrophy, Autosomal Recessive. To our knowledge, no experimental evidence demonstrating an impact on protein function has been reported. The following publications have been ascertained in the context of this evaluation (PMID: 29921608, 22025579, 31624253). ClinVar contains an entry for this variant (Variation ID: 100583). Based on the evidence outlined above, the variant was classified as likely benign.

Blueprint Genetics
Classification: Likely benign. Last evaluated: 2024-11-01. Review status: criteria provided, single submitter. Criteria: ACMG Guidelines, 2015. Collection method: clinical testing. Allele origin: germline.

Athena Diagnostics
Classification: Likely benign. Last evaluated: 2024-06-03. Review status: criteria provided, single submitter. Criteria: Athena Diagnostics Criteria. Collection method: clinical testing. Allele origin: unknown.

Genomic Research Center, Shahid Beheshti University of Medical Sciences
Classification: Likely benign for Bardet-Biedl syndrome 11. Last evaluated: 2023-12-10. Review status: criteria provided, single submitter. Criteria: ACMG Guidelines, 2015. Collection method: clinical testing. Allele origin: inherited. Affected: yes.

New York Genome Center
Classification: Uncertain significance for Sarcotubular myopathy. Last evaluated: 2021-08-31. Review status: criteria provided, single submitter. Criteria: NYGC Assertion Criteria 2020. Collection method: clinical testing. Allele origin: germline. Observed: 1 heterozygote.

GeneDx
Classification: Likely benign. Last evaluated: 2021-08-03. Review status: criteria provided, single submitter. Criteria: GeneDx Variant Classification Process June 2021. Collection method: clinical testing. Allele origin: germline. Affected: yes.
Comment: Previously reported in one individual with Usher syndrome; however, no second variant in the TRIM32 gene, as would be expected with autosomal recessive inheritance, was detected in this individual (Song et al., 2011); In silico analysis supports that this missense variant has a deleterious effect on protein structure/function; This variant is associated with the following publications: (PMID: 22025579, 19349376)

Eurofins Ntd Llc (ga)
Classification: Likely benign. Last evaluated: 2017-12-10. Review status: criteria provided, single submitter. Criteria: EGL Classification Definitions 2015. Collection method: clinical testing. Allele origin: germline. Observed: 23 variant alleles, 23 heterozygotes.

Illumina Laboratory Services, Illumina
Classification: Uncertain significance for Sarcotubular myopathy. Last evaluated: 2017-04-27. Review status: criteria provided, single submitter. Criteria: ICSL Variant Classification Criteria 13 December 2019. Collection method: clinical testing. Allele origin: germline.

PreventionGenetics, part of Exact Sciences
Classification: Likely benign. Review status: criteria provided, single submitter. Criteria: ACMG Guidelines, 2015. Collection method: clinical testing. Allele origin: germline.

Clinical Genetics DNA and cytogenetics Diagnostics Lab, Erasmus MC, Erasmus Medical Center
Classification: Uncertain significance. Review status: no assertion criteria provided. Collection method: clinical testing. Allele origin: germline. Affected: yes. Study: VKGL Data-share Consensus. Not counted in ClinVar's aggregate classification.

Clinical Genetics, Academic Medical Center
Classification: Uncertain significance. Review status: no assertion criteria provided. Collection method: clinical testing. Allele origin: germline. Affected: yes. Study: VKGL Data-share Consensus. Not counted in ClinVar's aggregate classification.

NEI Ophthalmic Genomics Laboratory, National Institutes of Health
No classification provided. Review status: no classification provided. Collection method: not provided. Allele origin: not provided. Not counted in ClinVar's aggregate classification.

Literature cited by the submitters: PubMed 22025579 (cited by 4 submitters); PubMed 31624253 (cited by Women's Health and Genetics/Laboratory Corporation of America, LabCorp and Athena Diagnostics); PubMed 29921608 (cited by Women's Health and Genetics/Laboratory Corporation of America, LabCorp and Athena Diagnostics).

NM_012210.4(TRIM32):c.1222C>T (p.Arg408Cys)

Genes: ASTN2 (astrotactin 2; minus strand), TRIM32 (tripartite motif containing 32; plus strand). Cytogenetic location: 9q33.1.
Variant type: single nucleotide variant.
Coding change: c.1222C>T on transcript NM_012210.4 (MANE Select); coding-DNA position 1222, C replaced by T.
Protein change: p.Arg408Cys; replaces arginine 408 with cysteine.
Molecular consequence: missense variant. On other transcripts: intron variant (3).
Genome position (GRCh38, 1-based): chr9:116,698,964, C>T. VCF-style: chr9-116698964-C-T. GRCh37 (hg19) VCF-style: chr9-119461243-C-T.
Other names: c.1222C>T, p.Arg408Cys (NM_001099679.2, NM_001379048.1, NM_001379049.1 and 1 more transcripts); c.2653+26807G>A (NM_014010.5); c.2794+26807G>A (NM_001365069.1); c.2806+26807G>A (NM_001365068.1); short protein forms R408C.
Identifiers: ClinVar variation 100583 (VCV000100583.77), dbSNP rs3747835, ClinGen allele CA228919.